The following is an entry in ClinVar:

ClinVar aggregate classification (germline): Likely benign (1 of 4 stars; one submission).

Allele frequency attached by ClinVar (database versions not stated): gnomAD exomes 0.00001; gnomAD 0.00003; TOPMed 0.00005.

Submission:

CeGaT Center for Human Genetics Tuebingen
Classification: Likely benign. Last evaluated: 2023-01-01. Review status: criteria provided, single submitter. Criteria: CeGaT Center For Human Genetics Tuebingen Variant Classification Criteria Version 2. Collection method: clinical testing. Allele origin: germline. Affected: yes. Observed: 1 variant allele.
Comment: EOLA2: BP4, BP7

NM_001013845.2(EOLA2):c.315G>A (p.Val105=)

Gene: EOLA2 (endothelium and lymphocyte associated ASCH domain 2; minus strand). Cytogenetic location: Xq28.
Variant type: single nucleotide variant.
Coding change: c.315G>A on transcript NM_001013845.2 (MANE Select); coding-DNA position 315, G replaced by A.
Protein change: p.Val105=; no amino-acid change (valine 105 retained).
Molecular consequence: synonymous variant.
Genome position (GRCh38, 1-based): chrX:149,932,706, C>T on the plus strand (G>A on the coding strand, the complement: EOLA2 is on the minus strand). VCF-style: chrX-149932706-C-T. GRCh37 (hg19) VCF-style: chrX-149100924-C-T.
Identifiers: ClinVar variation 2661627 (VCV002661627.23), dbSNP rs1392019845, ClinGen allele CA519075271.